The following is an entry in ClinVar:

NM_015311.3(OBSL1):c.343G>A (p.Glu115Lys)

Gene: OBSL1 (obscurin like cytoskeletal adaptor 1; minus strand). Cytogenetic location: 2q35.
Variant type: single nucleotide variant.
Coding change: c.343G>A on transcript NM_015311.3 (MANE Select); coding-DNA position 343, G replaced by A.
Protein change: p.Glu115Lys; replaces glutamic acid 115 with lysine.
Molecular consequence: missense variant.
Genome position (GRCh38, 1-based): chr2:219,570,890, C>T on the plus strand (G>A on the coding strand, the complement: OBSL1 is on the minus strand). VCF-style: chr2-219570890-C-T. GRCh37 (hg19) VCF-style: chr2-220435612-C-T.
Other names: c.343G>A, p.Glu115Lys (NM_001173408.2, NM_001173431.2); short protein forms E115K.
Identifiers: ClinVar variation 1901923 (VCV001901923.5), dbSNP rs1336235642, ClinGen allele CA350765802.

ClinVar aggregate classification (germline): Uncertain significance (1 of 4 stars; one submission).

Allele frequency attached by ClinVar (database versions not stated): gnomAD 0.00001.

Submission:

Labcorp Genetics (formerly Invitae), Labcorp
Classification: Uncertain significance. Last evaluated: 2023-07-17. Review status: criteria provided, single submitter. Criteria: Invitae Variant Classification Sherloc (09022015). Collection method: clinical testing. Allele origin: germline.
Comment: In summary, the available evidence is currently insufficient to determine the role of this variant in disease. Therefore, it has been classified as a Variant of Uncertain Significance. An algorithm developed to predict the effect of missense changes on protein structure and function (PolyPhen-2) suggests that this variant is likely to be tolerated. ClinVar contains an entry for this variant (Variation ID: 1901923). This variant has not been reported in the literature in individuals affected with OBSL1-related conditions. This variant is not present in population databases (gnomAD no frequency). This sequence change replaces glutamic acid, which is acidic and polar, with lysine, which is basic and polar, at codon 115 of the OBSL1 protein (p.Glu115Lys).